The following is an entry in ClinVar:

NM_001360.3(DHCR7):c.1362G>A (p.Lys454=)

Gene: DHCR7 (7-dehydrocholesterol reductase; minus strand). Cytogenetic location: 11q13.4.
Variant type: single nucleotide variant.
Coding change: c.1362G>A on transcript NM_001360.3 (MANE Select); coding-DNA position 1362, G replaced by A.
Protein change: p.Lys454=; no amino-acid change (lysine 454 retained).
Molecular consequence: synonymous variant.
Genome position (GRCh38, 1-based): chr11:71,435,441, C>T on the plus strand (G>A on the coding strand, the complement: DHCR7 is on the minus strand). VCF-style: chr11-71435441-C-T. GRCh37 (hg19) VCF-style: chr11-71146487-C-T.
Other names: c.1362G>A, p.Lys454= (NM_001163817.2).
Identifiers: ClinVar variation 199066 (VCV000199066.24), dbSNP rs147850435, ClinGen allele CA248056.

ClinVar aggregate classification (germline): Conflicting classifications of pathogenicity. Review status: criteria provided, conflicting classifications (1 of 4 stars). 5 submissions from 5 submitters: Uncertain significance (1); Likely benign (2). 2 of the submissions do not count toward it. Last evaluated 2026-01-24.

Conditions:
DHCR7-related disorder. Also called: DHCR7-related condition.
Inborn genetic diseases. Identifiers: MedGen C0950123, MeSH D030342.
Smith-Lemli-Opitz syndrome (SLOS). Also called: LETHAL ACRODYSGENITAL SYNDROME; POLYDACTYLY, SEX REVERSAL, RENAL HYPOPLASIA, AND UNILOBAR LUNG; RSH SYNDROME; RUTLEDGE LETHAL MULTIPLE CONGENITAL ANOMALY SYNDROME; 7-Dehydrocholesterol reductase deficiency. Identifiers: Orphanet 818, MedGen C0175694, MONDO:0010035, OMIM 270400.

Allele frequency attached by ClinVar (database versions not stated): ExAC 0.00007; gnomAD exomes 0.00007 and 0.00026; gnomAD 0.00009; TOPMed 0.00010; ESP Exome Variant Server 0.00023.
gnomAD v4.1: 390 of 1,612,664 alleles (0.024%); highest among the groups gnomAD compares: Non-Finnish European, 0.032%; no homozygotes.

Submissions (5):

Labcorp Genetics (formerly Invitae), Labcorp
Classification: Likely benign for Smith-Lemli-Opitz syndrome. Last evaluated: 2026-01-24. Review status: criteria provided, single submitter. Criteria: Invitae Variant Classification Sherloc (09022015). Collection method: clinical testing. Allele origin: germline.

Eurofins Ntd Llc (ga)
Classification: Uncertain significance. Last evaluated: 2018-07-09. Review status: criteria provided, single submitter. Criteria: EGL ClinVar v180209 classification definitions. Collection method: clinical testing. Allele origin: germline. Observed: 2 variant alleles, 2 heterozygotes.

Ambry Genetics
Classification: Likely benign for Inborn genetic diseases. Last evaluated: 2016-08-18. Review status: criteria provided, single submitter. Criteria: Ambry Variant Classification Scheme 2023. Collection method: clinical testing. Allele origin: germline.

PreventionGenetics, part of Exact Sciences
Classification: Likely benign for DHCR7-related condition. Last evaluated: 2024-06-20. Review status: no assertion criteria provided. Collection method: clinical testing. Allele origin: germline. Not counted in ClinVar's aggregate classification.
Comment: This variant is classified as likely benign based on ACMG/AMP sequence variant interpretation guidelines (Richards et al. 2015 PMID: 25741868, with internal and published modifications).

Natera, Inc.
Classification: Likely benign for Smith-Lemli-Opitz syndrome. Last evaluated: 2020-10-19. Review status: no assertion criteria provided. Collection method: clinical testing. Allele origin: germline. Not counted in ClinVar's aggregate classification.